The following is an entry in ClinVar:

NM_000017.4(ACADS):c.711del (p.Thr238fs)

Gene: ACADS (acyl-CoA dehydrogenase short chain; plus strand). Cytogenetic location: 12q24.31.
Variant type: Deletion.
Coding change: c.711del on transcript NM_000017.4 (MANE Select); coding-DNA position 711, one base deleted (C; older notation c.711delC).
Protein change: p.Thr238fs; shifts the reading frame from threonine 238.
Molecular consequence: frameshift variant.
Genome position (GRCh38, 1-based): chr12:120,738,366, C deleted; the last of 2 consecutive C bases (chr12:120,738,365-120,738,366); deleting either gives the same sequence. VCF-style (leftmost placement, unchanged base first): chr12-120738364-TC-T. GRCh37 (hg19) VCF-style: chr12-121176167-TC-T.
Other names: c.699del, p.Thr234fs (NM_001302554.2); short protein forms T234fs, T238fs.
Identifiers: ClinVar variation 1724727 (VCV001724727.2), dbSNP rs2501196429, ClinGen allele CA2580085898.

ClinVar aggregate classification (germline): Likely pathogenic (1 of 4 stars; one submission).

Conditions:
Deficiency of butyryl-CoA dehydrogenase (ACADSD). Also called: ACADS DEFICIENCY; Short-Chain Acyl-CoA Dehydrogenase Deficiency; SCAD Deficiency; SCAD DEFICIENCY, MILD; ACYL-CoA DEHYDROGENASE, SHORT-CHAIN, DEFICIENCY OF; SCADH DEFICIENCY. Identifiers: Orphanet 26792, MedGen C0342783, MONDO:0008722, OMIM 201470. Disease mechanism: May be benign.

Submission:

Myriad Genetics, Inc.
Classification: Likely pathogenic for Deficiency of butyryl-CoA dehydrogenase. Last evaluated: 2022-02-25. Review status: criteria provided, single submitter. Criteria: Myriad Women's Health Autosomal Recessive and X-Linked Classification Criteria (2021). Collection method: clinical testing. Allele origin: unknown.
Comment: NM_000017.2(ACADS):c.711delC(T238Rfs*26) is expected to be pathogenic in the context of short-chain acyl-CoA dehydrogenase deficiency. This variant is predicted to lead to an abnormal or absent protein product due to the creation of a premature termination codon in ACADS, a gene where loss-of-function variants are known to be pathogenic. Please note: this variant was assessed in the context of healthy population screening.